The following is an entry in ClinVar:

ClinVar aggregate classification (germline): Uncertain significance. Review status: criteria provided, multiple submitters, no conflicts (2 of 4 stars). 2 submissions from 2 submitters: Uncertain significance (2). Last evaluated 2023-01-17.

Conditions:
Neuropathy, hereditary sensory, type 1F. Also called: HSN IF; Hereditary sensory neuropathy type IF. Identifiers: Orphanet 36386, MedGen C3810194, MONDO:0014286, OMIM 615632.

Allele frequency attached by ClinVar (database versions not stated): gnomAD exomes below 0.00001 and 0.00001; ExAC 0.00001; gnomAD 0.00002; TOPMed 0.00003.
gnomAD v4.1: 14 of 1,614,104 alleles (0.00087%); highest among the groups gnomAD compares: African/African-American, 0.0067%; no homozygotes.

Submissions (2):

Mayo Clinic Laboratories, Mayo Clinic
Classification: Uncertain significance. Last evaluated: 2023-01-17. Review status: criteria provided, single submitter. Criteria: ACMG Guidelines, 2015. Collection method: clinical testing. Allele origin: germline. Observed: 1 variant allele.
Comment: BP4

Labcorp Genetics (formerly Invitae), Labcorp
Classification: Uncertain significance for Neuropathy, hereditary sensory, type 1F. Last evaluated: 2022-09-22. Review status: criteria provided, single submitter. Criteria: Invitae Variant Classification Sherloc (09022015). Collection method: clinical testing. Allele origin: germline.
Comment: ClinVar contains an entry for this variant (Variation ID: 960342). This sequence change replaces phenylalanine, which is neutral and non-polar, with leucine, which is neutral and non-polar, at codon 411 of the ATL3 protein (p.Phe411Leu). This variant is present in population databases (rs768756696, gnomAD 0.007%). This variant has not been reported in the literature in individuals affected with ATL3-related conditions. Advanced modeling of protein sequence and biophysical properties (such as structural, functional, and spatial information, amino acid conservation, physicochemical variation, residue mobility, and thermodynamic stability) performed at Invitae indicates that this missense variant is not expected to disrupt ATL3 protein function. In summary, the available evidence is currently insufficient to determine the role of this variant in disease. Therefore, it has been classified as a Variant of Uncertain Significance.

NM_015459.5(ATL3):c.1233T>G (p.Phe411Leu)

Genes: ATL3 (atlastin GTPase 3; minus strand), LNCROPM (lncRNA regulator of PLAAT3 mediated phospholipid metabolism; plus strand), LOC126861231 (CDK7 strongly-dependent group 2 enhancer GRCh37_chr11:63398741-63399940; plus strand). Cytogenetic location: 11q13.1.
Variant type: single nucleotide variant.
Coding change: c.1233T>G on transcript NM_015459.5 (MANE Select); coding-DNA position 1233, T replaced by G.
Protein change: p.Phe411Leu; replaces phenylalanine 411 with leucine.
Molecular consequence: missense variant.
Genome position (GRCh38, 1-based): chr11:63,631,346, A>C on the plus strand (T>G on the coding strand, the complement: ATL3 is on the minus strand). VCF-style: chr11-63631346-A-C. GRCh37 (hg19) VCF-style: chr11-63398818-A-C.
Other names: p.Phe411Leu; c.1179T>G, p.Phe393Leu (NM_001290048.2); short protein forms F393L, F411L.
Identifiers: ClinVar variation 960342 (VCV000960342.11), dbSNP rs768756696, ClinGen allele CA6063557.
Genomic context (GRCh38, chr11:63,631,346, plus strand): 5'-GTGCTTGCAGAAGTTCTCATATAATTCCTTGATTTCCTCCTCCAGCTCCTGCTGGTAACG[A>C]AAGCTGAAATCCTTCCCACCCATCTTCTTGGTCTTCTTAAAATGGTCCAGAGCAAGTTGT-3'
Protein context (NP_056274.3, residues 401-421): TKKMGGKDFS[Phe411Leu]RYQQELEEEI